The following is an entry in ClinVar:

NM_153717.3(EVC):c.2872G>A (p.Asp958Asn)

Gene: EVC (EvC ciliary complex subunit 1; plus strand). Cytogenetic location: 4p16.2.
Variant type: single nucleotide variant.
Coding change: c.2872G>A on transcript NM_153717.3 (MANE Select); coding-DNA position 2872, G replaced by A.
Protein change: p.Asp958Asn; replaces aspartic acid 958 with asparagine.
Molecular consequence: missense variant.
Genome position (GRCh38, 1-based): chr4:5,810,428, G>A. VCF-style: chr4-5810428-G-A. GRCh37 (hg19) VCF-style: chr4-5812155-G-A.
Other names: c.2872G>A, p.Asp958Asn (NM_001306090.2); short protein forms D958N.
Identifiers: ClinVar variation 349211 (VCV000349211.30), dbSNP rs35287723, ClinGen allele CA2836719.

ClinVar aggregate classification (germline): Benign. Review status: criteria provided, multiple submitters, no conflicts (2 of 4 stars). 7 submissions from 7 submitters: Benign (6). 1 of the submissions does not count toward it. Last evaluated 2026-05-22.

Conditions:
Ellis-van Creveld syndrome (EVC). Also called: Chondroectodermal dysplasia; MESOECTODERMAL DYSPLASIA. Identifiers: Orphanet 289, MedGen C0013903, MONDO:0009162, OMIM 225500.
Curry-Hall syndrome (WAD). Also called: WEYERS ACRODENTAL DYSOSTOSIS. Identifiers: Orphanet 952, MedGen C0457013, MONDO:0008673, OMIM 193530.

Allele frequency attached by ClinVar (database versions not stated): TOPMed 0.00990; ESP Exome Variant Server 0.01023; 1000 Genomes Project 30x 0.01234; gnomAD 0.00921 and 0.00977; ExAC 0.00308; gnomAD exomes 0.00089 and 0.00235; 1000 Genomes Project 0.01098.
gnomAD v4.1: 2,749 of 1,612,624 alleles (0.17%); highest among the groups gnomAD compares: African/African-American, 3.2%; 37 homozygotes.

Submissions (7):

Women's Health and Genetics/Laboratory Corporation of America, LabCorp
Classification: Benign. Last evaluated: 2026-05-22. Review status: criteria provided, single submitter. Criteria: LabCorp Variant Classification Summary - May 2015. Collection method: clinical testing. Allele origin: germline.
Comment: Variant summary: EVC c.2872G>A (p.Asp958Asn) results in a conservative amino acid change in the encoded protein sequence. Algorithms developed to predict the effect of missense changes on protein structure and function all suggest that this variant is likely to be tolerated. The variant allele was found at a frequency of 0.0017 in 1612624 control chromosomes, predominantly at a frequency of 0.032 within the African or African-American subpopulation in the gnomAD database, including 36 homozygotes. The observed variant frequency within African or African-American control individuals in the gnomAD database exceeds the estimated maximal expected allele frequency for disease-causing variants in EVC. To our knowledge, no occurrence of c.2872G>A in individuals affected with EVC-related conditions and no experimental evidence demonstrating its impact on protein function have been reported. ClinVar contains an entry for this variant (Variation ID: 349211). Based on the evidence outlined above, the variant was classified as benign.

Labcorp Genetics (formerly Invitae), Labcorp
Classification: Benign for Curry-Hall syndrome; Ellis-van Creveld syndrome. Last evaluated: 2026-01-25. Review status: criteria provided, single submitter. Criteria: Invitae Variant Classification Sherloc (09022015). Collection method: clinical testing. Allele origin: germline.

ARUP Laboratories, Molecular Genetics and Genomics, ARUP Laboratories
Classification: Benign. Last evaluated: 2024-09-30. Review status: criteria provided, single submitter. Criteria: ARUP Molecular Germline Variant Investigation Process 2024. Collection method: clinical testing. Allele origin: germline.

GeneDx
Classification: Benign. Last evaluated: 2018-08-20. Review status: criteria provided, single submitter. Criteria: GeneDx Variant Classification Process June 2021. Collection method: clinical testing. Allele origin: germline. Affected: yes.

Illumina Laboratory Services, Illumina
Classification: Benign for Ellis-van Creveld syndrome. Last evaluated: 2018-01-12. Review status: criteria provided, single submitter. Criteria: ICSL Variant Classification Criteria 13 December 2019. Collection method: clinical testing. Allele origin: germline.
Comment: This variant was observed in the ICSL laboratory as part of a predisposition screen in an ostensibly healthy population. It had not been previously curated by ICSL or reported in the Human Gene Mutation Database (HGMD: prior to June 1st, 2018), and was therefore a candidate for classification through an automated scoring system. Utilizing variant allele frequency, disease prevalence and penetrance estimates, and inheritance mode, an automated score was calculated to assess if this variant is too frequent to cause the disease. Based on the score and internal cut-off values, a variant classified as benign is not then subjected to further curation. The score for this variant resulted in a classification of benign for this disease.

Breakthrough Genomics
Classification: Benign. Review status: criteria provided, single submitter. Criteria: ACMG Guidelines, 2015. Collection method: not provided. Allele origin: germline. Inheritance: Autosomal recessive inheritance. Affected: yes.

Natera, Inc.
Classification: Benign for Ellis-van Creveld syndrome. Last evaluated: 2020-09-16. Review status: no assertion criteria provided. Collection method: clinical testing. Allele origin: germline. Not counted in ClinVar's aggregate classification.